The following is an entry in ClinVar:

ClinVar aggregate classification (germline): Benign/Likely benign. Review status: criteria provided, multiple submitters, no conflicts (2 of 4 stars). 4 submissions from 4 submitters: Benign (2); Likely benign (1). 1 of the submissions does not count toward it. Last evaluated 2026-01-19.

Conditions:
Inborn genetic diseases. Identifiers: MedGen C0950123, MeSH D030342.
BRWD3-related disorder. Also called: BRWD3-related condition.

Allele frequency attached by ClinVar (database versions not stated): gnomAD 0.00006 and 0.00007; gnomAD exomes 0.00010 and 0.00018; TOPMed 0.00015; ExAC 0.00017.
gnomAD v4.1: 51 of 1,207,636 alleles (0.0042%); highest among the groups gnomAD compares: Admixed American, 0.11%; no homozygotes.

Submissions (4):

Labcorp Genetics (formerly Invitae), Labcorp
Classification: Benign. Last evaluated: 2026-01-19. Review status: criteria provided, single submitter. Criteria: Invitae Variant Classification Sherloc (09022015). Collection method: clinical testing. Allele origin: germline.

GeneDx
Classification: Benign. Last evaluated: 2020-09-17. Review status: criteria provided, single submitter. Criteria: GeneDx Variant Classification Process June 2021. Collection method: clinical testing. Allele origin: germline. Affected: yes.

Ambry Genetics
Classification: Likely benign for Inborn genetic diseases. Last evaluated: 2015-11-10. Review status: criteria provided, single submitter. Criteria: Ambry Variant Classification Scheme 2023. Collection method: clinical testing. Allele origin: germline.

PreventionGenetics, part of Exact Sciences
Classification: Likely benign for BRWD3-related condition. Last evaluated: 2022-10-13. Review status: no assertion criteria provided. Collection method: clinical testing. Allele origin: germline. Not counted in ClinVar's aggregate classification.
Comment: This variant is classified as likely benign based on ACMG/AMP sequence variant interpretation guidelines (Richards et al. 2015 PMID: 25741868, with internal and published modifications).

NM_153252.5(BRWD3):c.492A>G (p.Ser164=)

Gene: BRWD3 (bromodomain and WD repeat domain containing 3; minus strand). Cytogenetic location: Xq21.1.
Variant type: single nucleotide variant.
Coding change: c.492A>G on transcript NM_153252.5 (MANE Select); coding-DNA position 492, A replaced by G.
Protein change: p.Ser164=; no amino-acid change (serine 164 retained).
Molecular consequence: synonymous variant.
Genome position (GRCh38, 1-based): chrX:80,745,668, T>C on the plus strand (A>G on the coding strand, the complement: BRWD3 is on the minus strand). VCF-style: chrX-80745668-T-C. GRCh37 (hg19) VCF-style: chrX-80001167-T-C.
Identifiers: ClinVar variation 753218 (VCV000753218.13), dbSNP rs761355398, ClinGen allele CA10462348.